The following is an entry in ClinVar:

NM_000095.3(COMP):c.1220G>A (p.Cys407Tyr)

Gene: COMP (cartilage oligomeric matrix protein; minus strand). Cytogenetic location: 19p13.11.
Variant type: single nucleotide variant.
Coding change: c.1220G>A on transcript NM_000095.3 (MANE Select); coding-DNA position 1220, G replaced by A.
Protein change: p.Cys407Tyr; replaces cysteine 407 with tyrosine.
Molecular consequence: missense variant.
Genome position (GRCh38, 1-based): chr19:18,786,566, C>T on the plus strand (G>A on the coding strand, the complement: COMP is on the minus strand). VCF-style: chr19-18786566-C-T. GRCh37 (hg19) VCF-style: chr19-18897376-C-T.
Other names: short protein forms C407Y.
Identifiers: ClinVar variation 2736857 (VCV002736857.3), dbSNP rs2512848451, ClinGen allele CA404886522.

ClinVar aggregate classification (germline): Pathogenic (1 of 4 stars; one submission).

Submission:

Labcorp Genetics (formerly Invitae), Labcorp
Classification: Pathogenic. Last evaluated: 2023-10-13. Review status: criteria provided, single submitter. Criteria: Invitae Variant Classification Sherloc (09022015). Collection method: clinical testing. Allele origin: germline.
Comment: This sequence change replaces cysteine, which is neutral and slightly polar, with tyrosine, which is neutral and polar, at codon 407 of the COMP protein (p.Cys407Tyr). This variant is not present in population databases (gnomAD no frequency). This missense change has been observed in individual(s) with multiple epiphyseal dysplasia and/or pseudoachondroplasia (PMID: 21644213, 33030144). It has also been observed to segregate with disease in related individuals. Advanced modeling of protein sequence and biophysical properties (such as structural, functional, and spatial information, amino acid conservation, physicochemical variation, residue mobility, and thermodynamic stability) performed at Invitae indicates that this missense variant is expected to disrupt COMP protein function. This variant disrupts the p.Cys407 amino acid residue in COMP. Other variant(s) that disrupt this residue have been observed in individuals with COMP-related conditions (PMID: 15756302, 30906833), which suggests that this may be a clinically significant amino acid residue. For these reasons, this variant has been classified as Pathogenic.

Literature cited by the submitters: PubMed 21644213; PubMed 33030144; PubMed 15756302; PubMed 30906833.